The following is an entry in ClinVar:

NM_007294.4(BRCA1):c.3306T>A (p.Asn1102Lys)

Genes: BRCA1 (BRCA1 DNA repair associated; minus strand), LOC126862571 (BRD4-independent group 4 enhancer GRCh37_chr17:41243136-41244335; plus strand). Cytogenetic location: 17q21.31.
Variant type: single nucleotide variant.
Coding change: c.3306T>A on transcript NM_007294.4 (MANE Select); coding-DNA position 3306, T replaced by A.
Protein change: p.Asn1102Lys; replaces asparagine 1102 with lysine.
Molecular consequence: missense variant. On other transcripts: intron variant (137).
Genome position (GRCh38, 1-based): chr17:43,092,225, A>T on the plus strand (T>A on the coding strand, the complement: BRCA1 is on the minus strand). VCF-style: chr17-43092225-A-T. GRCh37 (hg19) VCF-style: chr17-41244242-A-T.
Other names: c.3093T>A, p.Asn1031Lys (NM_001407571.1, NM_001407853.1, NM_001407894.1 and 9 more transcripts); c.3306T>A, p.Asn1102Lys (NM_001407581.1, NM_001407582.1, NM_001407583.1 and 30 more transcripts); c.3303T>A, p.Asn1101Lys (NM_001407610.1, NM_001407611.1, NM_001407612.1 and 22 more transcripts); c.3183T>A, p.Asn1061Lys (NM_001407681.1, NM_001407682.1, NM_001407683.1 and 19 more transcripts); c.3180T>A, p.Asn1060Lys (NM_001407685.1, NM_001407686.1, NM_001407687.1 and 11 more transcripts); c.3165T>A, p.Asn1055Lys (NM_001407692.1, NM_001407694.1, NM_001407695.1 and 29 more transcripts); c.3228T>A, p.Asn1076Lys (NM_001407663.1, NM_001407653.1, NM_001407654.1 and 4 more transcripts); c.3162T>A, p.Asn1054Lys (NM_001407740.1, NM_001407741.1, NM_001407742.1 and 20 more transcripts); and 41 more; short protein forms N1013K, N1014K, N1031K, N1032K, N1034K, N1035K, N1054K, N1055K.
Identifiers: ClinVar variation 4883316 (VCV004883316.2).

ClinVar aggregate classification (germline): Uncertain significance (1 of 4 stars; one submission).

Conditions:
Breast-ovarian cancer, familial, susceptibility to, 1 (BROVCA1). Also called: OVARIAN CANCER, SUSCEPTIBILITY TO; BRCA1 Hereditary Breast and Ovarian Cancer. Identifiers: Orphanet 145, MedGen C2676676, MONDO:0011450, OMIM 604370. Disease mechanism: loss of function.

Submission:

Dasa
Classification: Uncertain significance for Breast-ovarian cancer, familial, susceptibility to, 1. Last evaluated: 2025-05-20. Review status: criteria provided, single submitter. Criteria: DASA Assertion Criteria. Collection method: clinical testing. Allele origin: germline.
Comment: NM_007294.4(BRCA1):c.3306T>A (p.Asn1102Lys) is a missense variant that results in the substitution of asparagine with lysine. This variant is absent from population databases. The currently available literature and clinical evidence are not sufficient to establish a definitive association between this variant and the reported condition. Therefore, this variant is classified as a variant of uncertain significance.